The following is an entry in ClinVar:

ClinVar aggregate classification (germline): Uncertain significance (1 of 4 stars; one submission).

Allele frequency attached by ClinVar (database versions not stated): TOPMed below 0.00001; gnomAD 0.00001; gnomAD exomes 0.00001.
gnomAD v4.1: 19 of 1,613,872 alleles (0.0012%); highest among the groups gnomAD compares: South Asian, 0.0022%; no homozygotes.

Submission:

Ambry Genetics
Classification: Uncertain significance. Last evaluated: 2022-04-19. Review status: criteria provided, single submitter. Criteria: Ambry Variant Classification Scheme 2023. Collection method: clinical testing. Allele origin: germline.
Comment: The p.A1092V variant (also known as c.3275C>T), located in coding exon 17 of the NPAT gene, results from a C to T substitution at nucleotide position 3275. The alanine at codon 1092 is replaced by valine, an amino acid with similar properties. This amino acid position is conserved. In addition, this alteration is predicted to be tolerated by in silico analysis. Since supporting evidence is limited at this time, the clinical significance of this alteration remains unclear.

NM_002519.3(NPAT):c.3275C>T (p.Ala1092Val)

Gene: NPAT (nuclear protein, coactivator of histone transcription; minus strand). Cytogenetic location: 11q22.3.
Variant type: single nucleotide variant.
Coding change: c.3275C>T on transcript NM_002519.3 (MANE Select); coding-DNA position 3275, C replaced by T.
Protein change: p.Ala1092Val; replaces alanine 1092 with valine.
Molecular consequence: missense variant.
Genome position (GRCh38, 1-based): chr11:108,161,811, G>A on the plus strand (C>T on the coding strand, the complement: NPAT is on the minus strand). VCF-style: chr11-108161811-G-A. GRCh37 (hg19) VCF-style: chr11-108032538-G-A.
Other names: c.3296C>T, p.Ala1099Val (NM_001321307.1); short protein forms A1099V, A1092V.
Identifiers: ClinVar variation 1729664 (VCV001729664.2), dbSNP rs1051988142, ClinGen allele CA228374121.
Genomic context (GRCh38, chr11:108,161,811, plus strand): 5'-TTAGAAGGGGGTTTTAAGGTGGAGGACACATTGGGTGAGTCAAGATTAGGAAAAGAGACT[G>A]CATTCCTTTCTTTGTTTTGGGACACCATCTTATGGTTTGGCCCCTGCGTATTTGCCACAG-3'
Protein context (NP_002510.2, residues 1082-1102): KMVSQNKERN[Ala1092Val]VSFPNLDSPN